The following is an entry in ClinVar:

NM_000481.4(AMT):c.578C>G (p.Ala193Gly)

Gene: AMT (aminomethyltransferase; minus strand). Cytogenetic location: 3p21.31.
Variant type: single nucleotide variant.
Coding change: c.578C>G on transcript NM_000481.4 (MANE Select); coding-DNA position 578, C replaced by G.
Protein change: p.Ala193Gly; replaces alanine 193 with glycine.
Molecular consequence: missense variant. On other transcripts: non-coding transcript variant (1).
Genome position (GRCh38, 1-based): chr3:49,419,378, G>C on the plus strand (C>G on the coding strand, the complement: AMT is on the minus strand). VCF-style: chr3-49419378-G-C. GRCh37 (hg19) VCF-style: chr3-49456811-G-C.
Other names: c.446C>G, p.Ala149Gly (NM_001164710.2); c.410C>G, p.Ala137Gly (NM_001164711.2); c.578C>G, p.Ala193Gly (NM_001164712.2); short protein forms A193G, A137G, A149G.
Identifiers: ClinVar variation 2138872 (VCV002138872.1), dbSNP rs1420976314, ClinGen allele CA352790281.

ClinVar aggregate classification (germline): Uncertain significance (1 of 4 stars; one submission).

Conditions:
Glycine encephalopathy. Also called: Non-ketotic hyperglycinemia; Nonketotic hyperglycinemia. Identifiers: Orphanet 407, MedGen C0751748, MONDO:0011612, HP:0008288.

Allele frequency attached by ClinVar (database versions not stated): TOPMed below 0.00001; gnomAD 0.00001.
gnomAD v4.1: 3 of 1,613,930 alleles (0.00019%); highest among the groups gnomAD compares: Non-Finnish European, 0.00025%; no homozygotes.

Submission:

Labcorp Genetics (formerly Invitae), Labcorp
Classification: Uncertain significance for Glycine encephalopathy. Last evaluated: 2022-03-04. Review status: criteria provided, single submitter. Criteria: Invitae Variant Classification Sherloc (09022015). Collection method: clinical testing. Allele origin: germline.
Comment: This sequence change replaces alanine, which is neutral and non-polar, with glycine, which is neutral and non-polar, at codon 193 of the AMT protein (p.Ala193Gly). This variant is not present in population databases (gnomAD no frequency). This variant has not been reported in the literature in individuals affected with AMT-related conditions. Advanced modeling of protein sequence and biophysical properties (such as structural, functional, and spatial information, amino acid conservation, physicochemical variation, residue mobility, and thermodynamic stability) performed at Invitae indicates that this missense variant is not expected to disrupt AMT protein function. In summary, the available evidence is currently insufficient to determine the role of this variant in disease. Therefore, it has been classified as a Variant of Uncertain Significance.